The following is an entry in ClinVar:

ClinVar aggregate classification (germline): Pathogenic/Likely pathogenic. Review status: criteria provided, multiple submitters, no conflicts (2 of 4 stars). 2 submissions from 2 submitters: Pathogenic (1); Likely pathogenic (1). Last evaluated 2023-09-06.

Conditions:
Hypotonia, infantile, with psychomotor retardation and characteristic facies 1 (INNFD). Identifiers: Orphanet 371364, Orphanet 700336, MedGen C3809454, MONDO:0024567, OMIM 615419.

Allele frequency attached by ClinVar (database versions not stated): gnomAD exomes 0.00002; TOPMed 0.00002.
gnomAD v4.1: 30 of 1,612,884 alleles (0.0019%); highest among the groups gnomAD compares: Non-Finnish European, 0.0025%; no homozygotes.

Submissions (2):

Department of Pathology and Laboratory Medicine, Sinai Health System
Classification: Likely pathogenic for hypotonia, infantile, with psychomotor retardation and characteristic facies 1. Last evaluated: 2023-09-06. Review status: criteria provided, single submitter. Criteria: ACMG Guidelines, 2015. Collection method: research. Allele origin: germline.

GeneDx
Classification: Pathogenic. Last evaluated: 2018-05-15. Review status: criteria provided, single submitter. Criteria: GeneDx Variant Classification (06012015). Collection method: clinical testing. Allele origin: germline. Affected: yes.
Comment: The c.3490-2A>G variant in the NALCN gene has not been reported previously as a pathogenic variant nor as a benign variant, to our knowledge. This splice site variant destroys the canonical splice acceptor site in intron 30. It is predicted to cause abnormal gene splicing, either leading to an abnormal message that is subject to nonsense-mediated mRNA decay, or to an abnormal protein product if the message is used for protein translation. The c.3490-2A>G variant is not observed in large population cohorts (Lek et al., 2016). We interpret c.3490-2A>G as a pathogenic variant.

NM_052867.4(NALCN):c.3490-2A>G

Gene: NALCN (sodium leak channel, non-selective; minus strand). Cytogenetic location: 13q32.3.
Variant type: single nucleotide variant.
Coding change: c.3490-2A>G on transcript NM_052867.4 (MANE Select); the canonical splice acceptor site of the intron before coding-DNA position 3490, A replaced by G.
Molecular consequence: splice acceptor variant.
Genome position (GRCh38, 1-based): chr13:101,083,806, T>C on the plus strand (A>G on the coding strand, the complement: NALCN is on the minus strand). VCF-style: chr13-101083806-T-C. GRCh37 (hg19) VCF-style: chr13-101736157-T-C.
Other names: c.3403-2A>G (NM_001350751.2, NM_001350750.2); c.3490-2A>G (NM_001350749.2); c.3577-2A>G (NM_001350748.2).
Identifiers: ClinVar variation 546191 (VCV000546191.3), dbSNP rs1333710212, ClinGen allele CA388652019.